The following is an entry in ClinVar:

NM_000701.8(ATP1A1):c.492G>A (p.Met164Ile)

Gene: ATP1A1 (ATPase Na+/K+ transporting subunit alpha 1; plus strand). Cytogenetic location: 1p13.1.
Variant type: single nucleotide variant.
Coding change: c.492G>A on transcript NM_000701.8 (MANE Select); coding-DNA position 492, G replaced by A.
Protein change: p.Met164Ile; replaces methionine 164 with isoleucine.
Molecular consequence: missense variant.
Genome position (GRCh38, 1-based): chr1:116,388,235, G>A. VCF-style: chr1-116388235-G-A. GRCh37 (hg19) VCF-style: chr1-116930857-G-A.
Other names: c.492G>A, p.Met164Ile (NM_001160233.2); c.399G>A, p.Met133Ile (NM_001160234.2); short protein forms M133I, M164I.
Identifiers: ClinVar variation 2695169 (VCV002695169.3), dbSNP rs2525827637, ClinGen allele CA341842383.
Genomic context (GRCh38, chr1:116,388,235, plus strand): 5'-TTGCTTCTCCTACTATCAAGAAGCTAAAAGTTCAAAGATCATGGAATCCTTCAAAAACAT[G>A]GTCCCTCAGGTACCAGACGCTTTGTCCTTCCCCAGTGGATGACTTGACAGCCCCAAGCAT-3'
Protein context (NP_000692.2, residues 154-174): SSKIMESFKN[Met164Ile]VPQQALVIRN

ClinVar aggregate classification (germline): Uncertain significance (1 of 4 stars; one submission).

Submission:

Labcorp Genetics (formerly Invitae), Labcorp
Classification: Uncertain significance. Last evaluated: 2023-11-11. Review status: criteria provided, single submitter. Criteria: Invitae Variant Classification Sherloc (09022015). Collection method: clinical testing. Allele origin: germline.
Comment: This sequence change replaces methionine, which is neutral and non-polar, with isoleucine, which is neutral and non-polar, at codon 164 of the ATP1A1 protein (p.Met164Ile). This variant is not present in population databases (gnomAD no frequency). This variant has not been reported in the literature in individuals affected with ATP1A1-related conditions. Advanced modeling of protein sequence and biophysical properties (such as structural, functional, and spatial information, amino acid conservation, physicochemical variation, residue mobility, and thermodynamic stability) performed at Invitae indicates that this missense variant is not expected to disrupt ATP1A1 protein function with a negative predictive value of 80%. In summary, the available evidence is currently insufficient to determine the role of this variant in disease. Therefore, it has been classified as a Variant of Uncertain Significance.